The following is an entry in ClinVar:

ClinVar aggregate classification (germline): Pathogenic/Likely pathogenic. Review status: criteria provided, multiple submitters, no conflicts (2 of 4 stars). 5 submissions from 5 submitters: Pathogenic (1); Likely pathogenic (4). Last evaluated 2026-09-08.

Conditions:
Fabry disease. Also called: Fabry's disease; GLA DEFICIENCY; HEREDITARY DYSTOPIC LIPIDOSIS; Ceramide trihexosidosis; Angiokeratoma corporis diffusum; ANDERSON-FABRY DISEASE. Identifiers: Orphanet 324, MedGen C0002986, MONDO:0010526, OMIM 301500, HP:0001071. Disease mechanism: loss of function, Fabry disease is due to inactivating mutations in the X-linked GLA gene resulting in deficiency of the enzyme Alpha Galactosidase-A..

Allele frequency attached by ClinVar (database versions not stated): gnomAD exomes below 0.00001.
gnomAD v4.1: 1 of 1,179,103 alleles (0.000085%); highest among the groups gnomAD compares: East Asian, 0.003%; no homozygotes.

Submissions (5):

Genomenon, Inc
Classification: Pathogenic for Fabry disease. Last evaluated: 2026-09-08. Review status: criteria provided, single submitter. Criteria: Genomenon Sequence Variant Interpretation Standards - Updated. Collection method: curation. Allele origin: germline. Affected: yes.
Comment: GLA p.Pro205Leu (c.614C>T) is a missense variant that changes the amino acid at codon 205 from Proline to Leucine. This variant has been observed in at least one proband with clinical features consistent with Fabry disease (PMID:15713906;34922431). At least one functional study has demonstrated a substantial alteration in protein function relative to the wild-type (PMID:27657681). This variant is located in a mutational hotspot and/or important functional domain. It is absent or not present at a significant frequency in gnomAD. In silico models predict that this variant is possibly or probably damaging. In conclusion, we classify GLA p.Pro205Leu (c.614C>T) as a pathogenic variant.

Labcorp Genetics (formerly Invitae), Labcorp
Classification: Likely pathogenic for Fabry disease. Last evaluated: 2025-12-21. Review status: criteria provided, single submitter. Criteria: Invitae Variant Classification Sherloc (09022015). Collection method: clinical testing. Allele origin: germline.
Comment: This sequence change replaces proline, which is neutral and non-polar, with leucine, which is neutral and non-polar, at codon 205 of the GLA protein (p.Pro205Leu). This variant is not present in population databases (gnomAD no frequency). This missense change has been observed in individual(s) with Fabry disease (PMID: 15713906, 15776423, 34922431). ClinVar contains an entry for this variant (Variation ID: 288308). Invitae Evidence Modeling of protein sequence and biophysical properties (such as structural, functional, and spatial information, amino acid conservation, physicochemical variation, residue mobility, and thermodynamic stability) indicates that this missense variant is expected to disrupt GLA protein function with a positive predictive value of 80%. This variant disrupts the p.Pro205 amino acid residue in GLA. Other variant(s) that disrupt this residue have been determined to be pathogenic (internal data). This suggests that this residue is clinically significant, and that variants that disrupt this residue are likely to be disease-causing. In summary, the currently available evidence indicates that the variant is pathogenic, but additional data are needed to prove that conclusively. Therefore, this variant has been classified as Likely Pathogenic.

Revvity Omics, Revvity
Classification: Likely pathogenic. Last evaluated: 2022-01-18. Review status: criteria provided, single submitter. Criteria: ACMG Guidelines, 2015. Collection method: clinical testing. Allele origin: germline.

Women's Health and Genetics/Laboratory Corporation of America, LabCorp
Classification: Likely pathogenic for Fabry disease. Last evaluated: 2017-03-28. Review status: criteria provided, single submitter. Criteria: LabCorp Variant Classification Summary - May 2015. Collection method: clinical testing. Allele origin: germline.
Comment: Variant summary: The GLA c.614C>T (p.Pro205Leu) variant involves the alteration of a conserved nucleotide, is located in substrate binding region in the protein (UniProt) and is predicted to be damaging by 5/5 in silico tools. This variant is absent in 73842 control chromosomes including broad and large populations from ExAC. This variant has been reported in one patient with Fabry disease in literature (Schafer_2005, Ries_2005) and has been considered very likely to be pathogenic. It has also been reported in two individuals by a lab in ClinVar without information about affected status. Other missense variants at this codon, p.P205R, p.P205S and p.P205T, have also been reported in patients with Fabry disease, suggesting that this codon is a mutational hot-spot. Functional analysis of residual enzymatic activity in patient's cells carrying this variant was only 1% of normal controls (Ries_2005). One clinical diagnostic laboratory has classified this variant as likely pathogenic. Taken together, this variant is classified as likely pathogenic.

Eurofins Ntd Llc (ga)
Classification: Likely pathogenic. Last evaluated: 2016-05-24. Review status: criteria provided, single submitter. Criteria: EGL Classification Definitions 2015. Collection method: clinical testing. Allele origin: germline. Observed: 2 variant alleles, 2 heterozygotes.

Literature cited by the submitters: PubMed 15713906 (cited by 3 submitters); PubMed 34922431 (cited by Genomenon, Inc and Labcorp Genetics (formerly Invitae), Labcorp); PubMed 27657681 (cited by Genomenon, Inc); PubMed 15776423 (cited by Labcorp Genetics (formerly Invitae), Labcorp and Women's Health and Genetics/Laboratory Corporation of America, LabCorp); PubMed 25382311 (cited by Women's Health and Genetics/Laboratory Corporation of America, LabCorp).

NM_000169.3(GLA):c.614C>T (p.Pro205Leu)

Genes: GLA (galactosidase alpha; minus strand), RPL36A-HNRNPH2 (RPL36A-HNRNPH2 readthrough; plus strand). Cytogenetic location: Xq22.1.
Variant type: single nucleotide variant.
Coding change: c.614C>T on transcript NM_000169.3 (MANE Select); coding-DNA position 614, C replaced by T.
Protein change: p.Pro205Leu; replaces proline 205 with leucine.
Molecular consequence: missense variant. On other transcripts: non-coding transcript variant (2), intron variant (2).
Genome position (GRCh38, 1-based): chrX:101,400,691, G>A on the plus strand (C>T on the coding strand, the complement: GLA is on the minus strand). VCF-style: chrX-101400691-G-A. GRCh37 (hg19) VCF-style: chrX-100655679-G-A.
Other names: c.737C>T, p.Pro246Leu (NM_001406747.1); c.614C>T, p.Pro205Leu (NM_001406748.1); c.300+5234G>A (NM_001199973.2); c.177+8869G>A (NM_001199974.2); short protein forms P205L, P246L.
Identifiers: ClinVar variation 288308 (VCV000288308.11), dbSNP rs886044879, ClinGen allele CA10606043.